The following is an entry in ClinVar:

ClinVar aggregate classification (germline): Likely pathogenic (1 of 4 stars; one submission).

Conditions:
PANK2-related disorder. Also called: PANK2-related condition.

Submission:

PreventionGenetics, part of Exact Sciences
Classification: Likely pathogenic for PANK2-related condition. Last evaluated: 2026-09-24. Review status: criteria provided, single submitter. Criteria: ACMG Guidelines, 2015. Collection method: clinical testing. Allele origin: germline.
Comment: The PANK2 c.1537-1G>A variant is predicted to disrupt the AG splice acceptor site and interfere with normal splicing. To our knowledge, this variant has not been reported in the literature or in a large population database (gnomAD), indicating this variant is rare. Alternative variants at this splice site (c.1537-1G>T, c.1537-2A>G, c.1537-3C>G) have been reported in individuals with PANK2-related disorders (as IVS5–1G>T, Matarin et al. 2006. PubMed ID: 16962235; Table 1, Akcakaya et al. 2017. PubMed ID: 28113101; as IVS5-3C>G, Table 1, Zhou et al. 2001. PubMed ID: 11479594). Variants that disrupt the consensus splice acceptor site in PANK2 are expected to be pathogenic. This variant is interpreted as likely pathogenic.

NM_001386393.1(PANK2):c.1207-1G>A

Gene: PANK2 (pantothenate kinase 2; plus strand). Cytogenetic location: 20p13.
Variant type: single nucleotide variant.
Coding change: c.1207-1G>A on transcript NM_001386393.1 (MANE Select); the canonical splice acceptor site of the intron before coding-DNA position 1207, G replaced by A.
Molecular consequence: splice acceptor variant.
Genome position (GRCh38, 1-based): chr20:3,918,670, G>A. VCF-style: chr20-3918670-G-A. GRCh37 (hg19) VCF-style: chr20-3899317-G-A.
Other names: c.664-1G>A (NM_024960.6, NM_001324191.2, NM_153640.4); c.1537-1G>A (NM_153638.4); c.229-1G>A (NM_001324193.2).
Identifiers: ClinVar variation 4991303 (VCV004991303.1).